The following is an entry in ClinVar:

ClinVar aggregate classification (germline): Uncertain significance (1 of 4 stars; one submission).

Conditions:
GLUD1-related disorder. Also called: GLUD1-related condition.

gnomAD v4.1: 2 of 1,416,566 alleles (0.00014%); highest among the groups gnomAD compares: East Asian, 0.0067%; no homozygotes.

Submission:

PreventionGenetics, part of Exact Sciences
Classification: Uncertain significance for GLUD1-related condition. Last evaluated: 2026-08-18. Review status: criteria provided, single submitter. Criteria: ACMG Guidelines, 2015. Collection method: clinical testing. Allele origin: germline.
Comment: The GLUD1 c.3G>T variant is predicted to disrupt the translation initiation site (Start loss). To our knowledge, this variant has not been reported in the literature or in a large population database (gnomAD), indicating this variant is rare. At this time, the clinical significance of this variant is uncertain due to the absence of conclusive functional and genetic evidence.

NM_005271.5(GLUD1):c.445+349G>T

Gene: GLUD1 (glutamate dehydrogenase 1; minus strand). Cytogenetic location: 10q23.2.
Variant type: single nucleotide variant.
Coding change: c.445+349G>T on transcript NM_005271.5 (MANE Select); 349 bases into the intron after coding-DNA position 445, G replaced by T.
Molecular consequence: intron variant. On other transcripts: missense variant (1), initiator codon variant (1), 5 prime UTR variant (2).
Genome position (GRCh38, 1-based): chr10:87,093,976, C>A on the plus strand (G>T on the coding strand, the complement: GLUD1 is on the minus strand). VCF-style: chr10-87093976-C-A. GRCh37 (hg19) VCF-style: chr10-88853733-C-A.
Other names: c.3G>T, p.Met1Ile (NM_001318900.1); c.-453G>T (NM_001318901.1); c.-380G>T (NM_001318902.1); c.-117+349G>T (NM_001318906.2); c.-284+349G>T (NM_001318904.2); c.-410+349G>T (NM_001318905.2); short protein forms M1I.
Identifiers: ClinVar variation 4995337 (VCV004995337.1).